The following is an entry in ClinVar:

ClinVar aggregate classification (germline): Uncertain significance (1 of 4 stars; one submission).

Conditions:
Fanconi anemia complementation group O. Also called: RAD51C-Related Fanconi Anemia. Identifiers: Orphanet 84, MedGen C3150653, MONDO:0013248, OMIM 613390.

Submission:

Labcorp Genetics (formerly Invitae), Labcorp
Classification: Uncertain significance for Fanconi anemia complementation group O. Last evaluated: 2023-11-07. Review status: criteria provided, single submitter. Criteria: Invitae Variant Classification Sherloc (09022015). Collection method: clinical testing. Allele origin: germline.
Comment: This sequence change replaces arginine, which is basic and polar, with serine, which is neutral and polar, at codon 277 of the RAD51C protein (p.Arg277Ser). This variant is not present in population databases (gnomAD no frequency). This variant has not been reported in the literature in individuals affected with RAD51C-related conditions. Advanced modeling of protein sequence and biophysical properties (such as structural, functional, and spatial information, amino acid conservation, physicochemical variation, residue mobility, and thermodynamic stability) performed at Invitae indicates that this missense variant is not expected to disrupt RAD51C protein function with a negative predictive value of 80%. In summary, the available evidence is currently insufficient to determine the role of this variant in disease. Therefore, it has been classified as a Variant of Uncertain Significance.

NM_058216.3(RAD51C):c.831A>T (p.Arg277Ser)

Gene: RAD51C (RAD51 paralog C; plus strand). Cytogenetic location: 17q22.
Variant type: single nucleotide variant.
Coding change: c.831A>T on transcript NM_058216.3 (MANE Select); coding-DNA position 831, A replaced by T.
Protein change: p.Arg277Ser; replaces arginine 277 with serine.
Molecular consequence: missense variant. On other transcripts: non-coding transcript variant (1).
Genome position (GRCh38, 1-based): chr17:58,709,984, A>T. VCF-style: chr17-58709984-A-T. GRCh37 (hg19) VCF-style: chr17-56787345-A-T.
Other names: c.*259A>T (NM_058217.1); short protein forms R277S.
Identifiers: ClinVar variation 2772172 (VCV002772172.3), dbSNP rs2509314025, ClinGen allele CA400354484.